The following is an entry in ClinVar:

ClinVar aggregate classification (germline): Likely pathogenic. Review status: criteria provided, multiple submitters, no conflicts (2 of 4 stars). 2 submissions from 2 submitters: Likely pathogenic (2). Last evaluated 2025-03-22.

Conditions:
Marfan syndrome (MFS). Also called: MARFAN SYNDROME, TYPE I; FBN1-Related Marfan Syndrome; Marfan syndrome type 1; Marfan's syndrome; Marfan syndrome, classic. Identifiers: Orphanet 284963, Orphanet 558, MedGen C0024796, MONDO:0007947, OMIM 154700.
Familial thoracic aortic aneurysm and aortic dissection (TAAD). Also called: Thoracic aortic aneurysms and dissections. Identifiers: Orphanet 91387, MedGen C4707243, MONDO:0019625.

Submissions (2):

Labcorp Genetics (formerly Invitae), Labcorp
Classification: Likely pathogenic for Marfan syndrome; Familial thoracic aortic aneurysm and aortic dissection. Last evaluated: 2025-03-22. Review status: criteria provided, single submitter. Criteria: Invitae Variant Classification Sherloc (09022015). Collection method: clinical testing. Allele origin: germline.
Comment: This sequence change replaces cysteine, which is neutral and slightly polar, with serine, which is neutral and polar, at codon 2674 of the FBN1 protein (p.Cys2674Ser). This variant is not present in population databases (gnomAD no frequency). This missense change has been observed in individual(s) with Marfan syndrome (internal data). ClinVar contains an entry for this variant (Variation ID: 451315). Invitae Evidence Modeling of protein sequence and biophysical properties (such as structural, functional, and spatial information, amino acid conservation, physicochemical variation, residue mobility, and thermodynamic stability) indicates that this missense variant is expected to disrupt FBN1 protein function with a positive predictive value of 95%. This variant affects a cysteine residue in the EGF-like, TGFBP or hybrid motif domains of FBN1. Cysteine residues are believed to be involved in intramolecular disulfide bridges and have been shown to be important for FBN1 protein structure (PMID: 16905551, 19349279). In addition, missense substitutions affecting cysteine residues within these domains are significantly overrepresented among patients with Marfan syndrome (PMID: 16571647, 17701892). In summary, the currently available evidence indicates that the variant is pathogenic, but additional data are needed to prove that conclusively. Therefore, this variant has been classified as Likely Pathogenic.

GeneDx
Classification: Likely pathogenic. Last evaluated: 2017-08-10. Review status: criteria provided, single submitter. Criteria: GeneDx Variant Classification (06012015). Collection method: clinical testing. Allele origin: germline. Affected: yes.
Comment: A likely pathogenic variant has been identified in the FBN1 gene. The C2674S variant has not been published as pathogenic or been reported as benign to our knowledge. The C2674S variant is not observed in large population cohorts (Lek et al., 2016; 1000 Genomes Consortium et al., 2015; Exome Variant Server). The C2674S variant is a non-conservative amino acid substitution, which is likely to impact secondary protein structure as these residues differ in polarity, charge, size and/or other properties. This substitution occurs at a position that is conserved across species and in silico analysis predicts this variant is probably damaging to the protein structure/function. Additionally, C2674S affects a cysteine residue within a calcium-binding EGF-like domain of the FBN1 gene, which may affect disulfide bonding and is predicted to alter the structure and function of the protein. Cysteine substitutions in the calcium binding EGF-like domains represent the majority of pathogenic missense changes associated with FBN1-related disorders (Collod-Beroud et al., 2003). Furthermore, a different missense variant at the same residue (C2674Y) has also been reported at GeneDx in association with an FBN1-related disorder.

Literature cited by the submitters: PubMed 16905551 (cited by Labcorp Genetics (formerly Invitae), Labcorp); PubMed 19349279 (cited by Labcorp Genetics (formerly Invitae), Labcorp); PubMed 16571647 (cited by Labcorp Genetics (formerly Invitae), Labcorp); PubMed 17701892 (cited by Labcorp Genetics (formerly Invitae), Labcorp).

NM_000138.5(FBN1):c.8021G>C (p.Cys2674Ser)

Gene: FBN1 (fibrillin 1; minus strand). Cytogenetic location: 15q21.1.
Variant type: single nucleotide variant.
Coding change: c.8021G>C on transcript NM_000138.5 (MANE Select); coding-DNA position 8021, G replaced by C.
Protein change: p.Cys2674Ser; replaces cysteine 2674 with serine.
Molecular consequence: missense variant.
Genome position (GRCh38, 1-based): chr15:48,415,566, C>G on the plus strand (G>C on the coding strand, the complement: FBN1 is on the minus strand). VCF-style: chr15-48415566-C-G. GRCh37 (hg19) VCF-style: chr15-48707763-C-G.
Other names: short protein forms C2674S.
Identifiers: ClinVar variation 451315 (VCV000451315.3), dbSNP rs1555393827, ClinGen allele CA392322608.